The following is an entry in ClinVar:

ClinVar aggregate classification (germline): Uncertain significance. Review status: criteria provided, multiple submitters, no conflicts (2 of 4 stars). 2 submissions from 2 submitters: Uncertain significance (2). Last evaluated 2024-11-15.

Conditions:
LZTFL1-related disorder. Also called: LZTFL1-related condition.

Allele frequency attached by ClinVar (database versions not stated): gnomAD exomes 0.00001.
gnomAD v4.1: 5 of 1,613,974 alleles (0.00031%); highest among the groups gnomAD compares: South Asian, 0.0044%; no homozygotes.

Submissions (2):

PreventionGenetics, part of Exact Sciences
Classification: Uncertain significance for LZTFL1-related condition. Last evaluated: 2024-11-15. Review status: criteria provided, single submitter. Criteria: ACMG Guidelines, 2015. Collection method: clinical testing. Allele origin: germline.
Comment: The LZTFL1 c.239A>G variant is predicted to result in the amino acid substitution p.Asn80Ser. To our knowledge, this variant has not been reported in the literature. This variant is reported in 0.0065% of alleles in individuals of South Asian descent in gnomAD. At this time, the clinical significance of this variant is uncertain due to the absence of conclusive functional and genetic evidence.

Labcorp Genetics (formerly Invitae), Labcorp
Classification: Uncertain significance. Last evaluated: 2021-12-10. Review status: criteria provided, single submitter. Criteria: Invitae Variant Classification Sherloc (09022015). Collection method: clinical testing. Allele origin: germline.
Comment: In summary, the available evidence is currently insufficient to determine the role of this variant in disease. Therefore, it has been classified as a Variant of Uncertain Significance. Algorithms developed to predict the effect of sequence changes on RNA splicing suggest that this variant may create or strengthen a splice site. Algorithms developed to predict the effect of missense changes on protein structure and function are either unavailable or do not agree on the potential impact of this missense change (SIFT: "Tolerated"; PolyPhen-2: "Possibly Damaging"; Align-GVGD: "Class C0"). This variant has not been reported in the literature in individuals affected with LZTFL1-related conditions. This variant is present in population databases (rs775250171, gnomAD 0.006%). This sequence change replaces asparagine, which is neutral and polar, with serine, which is neutral and polar, at codon 80 of the LZTFL1 protein (p.Asn80Ser).

NM_020347.4(LZTFL1):c.239A>G (p.Asn80Ser)

Gene: LZTFL1 (leucine zipper transcription factor like 1; minus strand). Cytogenetic location: 3p21.31.
Variant type: single nucleotide variant.
Coding change: c.239A>G on transcript NM_020347.4 (MANE Select); coding-DNA position 239, A replaced by G.
Protein change: p.Asn80Ser; replaces asparagine 80 with serine.
Molecular consequence: missense variant. On other transcripts: non-coding transcript variant (1).
Genome position (GRCh38, 1-based): chr3:45,835,674, T>C on the plus strand (A>G on the coding strand, the complement: LZTFL1 is on the minus strand). VCF-style: chr3-45835674-T-C. GRCh37 (hg19) VCF-style: chr3-45877166-T-C.
Other names: c.239A>G (NM_020347.3); c.188A>G, p.Asn63Ser (NM_001276378.2, NM_001386451.1); c.227A>G, p.Asn76Ser (NM_001276379.2); c.239A>G, p.Asn80Ser (NM_001386452.1); short protein forms N76S, N80S, N63S.
Identifiers: ClinVar variation 1396732 (VCV001396732.7), dbSNP rs775250171, ClinGen allele CA2351980.
Genomic context (GRCh38, chr3:45,835,674, plus strand): 5'-GTCTGTAGCTTAAGATACCACTTCTCAGCTTGTGCAAACAGCTGTCGCAGAAGTAACACA[T>C]TGGTATAGGCAGTGTTGATGAGCTCAGATTCCACCTCACTATGAACCACAGCTTGTAATC-3'
Protein context (NP_065080.1, residues 70-90): ESELINTAYT[Asn80Ser]VLLLRQLFAQ